The following is an entry in ClinVar:

NM_001267550.2(TTN):c.62507G>A (p.Arg20836Gln)

Genes: TTN (titin; minus strand), TTN-AS1 (TTN antisense RNA 1; plus strand). Cytogenetic location: 2q31.2.
Variant type: single nucleotide variant.
Coding change: c.62507G>A on transcript NM_001267550.2 (MANE Select); coding-DNA position 62507, G replaced by A.
Protein change: p.Arg20836Gln; replaces arginine 20836 with glutamine.
Molecular consequence: missense variant.
Genome position (GRCh38, 1-based): chr2:178,589,218, C>T on the plus strand (G>A on the coding strand, the complement: TTN is on the minus strand). VCF-style: chr2-178589218-C-T. GRCh37 (hg19) VCF-style: chr2-179453945-C-T.
Other names: p.R19195Q:CGA>CAA; c.57584G>A, p.Arg19195Gln (NM_001256850.1); c.35312G>A, p.Arg11771Gln (NM_003319.4); c.54803G>A, p.Arg18268Gln (NM_133378.4); c.35687G>A, p.Arg11896Gln (NM_133432.3); c.35888G>A, p.Arg11963Gln (NM_133437.4); short protein forms R19195Q, R20836Q, R18268Q, R11963Q, R11771Q, R11896Q.
Identifiers: ClinVar variation 202763 (VCV000202763.19), dbSNP rs201693851, ClinGen allele CA310209.
Genomic context (GRCh38, chr2:178,589,218, plus strand): 5'-TAGGCCACAAAACTGCCAGCCGTGTTAGTTGCCGTAACTACATATTTACCCCCATCACTT[C>T]GCTTTGCTTTAGTAAGAGAAAATTTAGATGAATCAGCACGGGTATCAATCTTGACCCTTG-3'
Protein context (NP_001254479.2, residues 20826-20846): SSKFSLTKAK[Arg20836Gln]SDGGKYVVTA

ClinVar aggregate classification (germline): Conflicting classifications of pathogenicity. Review status: criteria provided, conflicting classifications (1 of 4 stars). 9 submissions from 9 submitters: Uncertain significance (3); Likely benign (4). 2 of the submissions do not count toward it. Last evaluated 2025-10-02.

Conditions:
TTN-related disorder. Also called: TTN-related condition; TTN-related disease; TTN-related disorders.
Cardiovascular phenotype. Identifiers: MedGen CN230736.
Dilated cardiomyopathy 1G (CMD1G). Identifiers: Orphanet 154, MedGen C1858763, MONDO:0011400, OMIM 604145.
Autosomal recessive limb-girdle muscular dystrophy type 2J (LGMDR10). Also called: Limb-girdle muscular dystrophy, type 2J; MUSCULAR DYSTROPHY, LIMB-GIRDLE, AUTOSOMAL RECESSIVE 10. Identifiers: Orphanet 140922, MedGen C1837342, MONDO:0012127, OMIM 608807.
Cardiomyopathy (CMYO). Also called: Cardiomyopathies. Identifiers: Orphanet 167848, MedGen C0878544, MONDO:0004994, HP:0001638. Inheritance: Various modes of inheritance.

Allele frequency attached by ClinVar (database versions not stated): ExAC 0.00008; ESP Exome Variant Server 0.00008; gnomAD exomes 0.00010 and 0.00029; gnomAD 0.00011; TOPMed 0.00014.
gnomAD v4.1: 424 of 1,613,368 alleles (0.026%); highest among the groups gnomAD compares: Non-Finnish European, 0.034%; no homozygotes.

Submissions (9):

PreventionGenetics, part of Exact Sciences
Classification: Likely benign for TTN-related condition. Last evaluated: 2025-10-02. Review status: criteria provided, single submitter. Criteria: ACMG Guidelines, 2015. Collection method: clinical testing. Allele origin: germline.
Comment: This variant is classified as likely benign based on ACMG/AMP sequence variant interpretation guidelines (Richards et al. 2015 PMID: 25741868, with internal and published modifications).

Blueprint Genetics
Classification: Uncertain significance. Last evaluated: 2024-07-19. Review status: criteria provided, single submitter. Criteria: ACMG Guidelines, 2015. Collection method: clinical testing. Allele origin: germline.

CHEO Genetics Diagnostic Laboratory, Children's Hospital of Eastern Ontario
Classification: Likely benign for Cardiomyopathy. Last evaluated: 2023-01-20. Review status: criteria provided, single submitter. Criteria: ACMG Guidelines, 2015. Collection method: clinical testing. Allele origin: germline.

GeneDx
Classification: Likely benign. Last evaluated: 2021-04-22. Review status: criteria provided, single submitter. Criteria: GeneDx Variant Classification Process June 2021. Collection method: clinical testing. Allele origin: germline. Affected: yes.
Comment: This variant is associated with the following publications: (PMID: 30847666)

Ambry Genetics
Classification: Likely benign for Cardiovascular phenotype. Last evaluated: 2020-06-10. Review status: criteria provided, single submitter. Criteria: Ambry Variant Classification Scheme 2023. Collection method: clinical testing. Allele origin: germline.

Labcorp Genetics (formerly Invitae), Labcorp
Classification: Uncertain significance for Dilated cardiomyopathy 1G; Autosomal recessive limb-girdle muscular dystrophy type 2J. Last evaluated: 2017-12-09. Review status: criteria provided, single submitter. Criteria: Invitae Variant Classification Sherloc (09022015). Collection method: clinical testing. Allele origin: germline.

Eurofins Ntd Llc (ga)
Classification: Uncertain significance. Last evaluated: 2017-02-08. Review status: criteria provided, single submitter. Criteria: EGL Classification Definitions 2015. Collection method: clinical testing. Allele origin: germline. Observed: 2 variant alleles, 2 heterozygotes.

Clinical Genetics, Academic Medical Center
Classification: Uncertain significance. Review status: no assertion criteria provided. Collection method: clinical testing. Allele origin: germline. Affected: yes. Study: VKGL Data-share Consensus. Not counted in ClinVar's aggregate classification.

Joint Genome Diagnostic Labs from Nijmegen and Maastricht, Radboudumc and MUMC+
Classification: Uncertain significance. Review status: no assertion criteria provided. Collection method: clinical testing. Allele origin: germline. Affected: yes. Study: VKGL Data-share Consensus. Not counted in ClinVar's aggregate classification.